The following is an entry in ClinVar:

NM_015215.4(CAMTA1):c.218G>T (p.Arg73Leu)

Gene: CAMTA1 (calmodulin binding transcription activator 1; plus strand). Cytogenetic location: 1p36.31.
Variant type: single nucleotide variant.
Coding change: c.218G>T on transcript NM_015215.4 (MANE Select); coding-DNA position 218, G replaced by T.
Protein change: p.Arg73Leu; replaces arginine 73 with leucine.
Molecular consequence: missense variant. On other transcripts: non-coding transcript variant (4).
Genome position (GRCh38, 1-based): chr1:6,825,194, G>T. VCF-style: chr1-6825194-G-T. GRCh37 (hg19) VCF-style: chr1-6885254-G-T.
Other names: c.218G>T (NM_015215.3); c.218G>T, p.Arg73Leu (NM_001349610.2, NM_001410737.1, NM_001410738.1 and 3 more transcripts); c.128G>T, p.Arg43Leu (NM_001349612.2, NM_001349608.2); c.254G>T, p.Arg85Leu (NM_001349627.2); short protein forms R43L, R73L, R85L.
Identifiers: ClinVar variation 4819229 (VCV004819229.2).

ClinVar aggregate classification (germline): Uncertain significance. Review status: criteria provided, multiple submitters, no conflicts (2 of 4 stars). 2 submissions from 2 submitters: Uncertain significance (2). Last evaluated 2025-08-04.

Conditions:
CAMTA1-related disorder. Also called: CAMTA1-related condition.
Cerebellar dysfunction with variable cognitive and behavioral abnormalities (CECBA). Also called: Nonprogressive cerebellar atxia with intellectual disability. Identifiers: Orphanet 314647, MedGen C3553661, MONDO:0013886, OMIM 614756.

Submissions (2):

PreventionGenetics, part of Exact Sciences
Classification: Uncertain significance for CAMTA1-related condition. Last evaluated: 2025-08-04. Review status: criteria provided, single submitter. Criteria: ACMG Guidelines, 2015. Collection method: clinical testing. Allele origin: germline.
Comment: The CAMTA1 c.218G>T variant is predicted to result in the amino acid substitution p.Arg73Leu. To our knowledge, this variant has not been reported in the literature or in a large population database (gnomAD), indicating this variant is rare. At this time, the clinical significance of this variant is uncertain due to the absence of conclusive functional and genetic evidence.

Ozbek Human Genetics Laboratory, Izmir Biomedicine and Genome Center
Classification: Uncertain significance for Cerebellar dysfunction with variable cognitive and behavioral abnormalities. Last evaluated: 2025-01-15. Review status: criteria provided, single submitter. Criteria: ACMG Guidelines, 2015. Collection method: research. Allele origin: biparental. Affected: yes. Observed: 1 variant allele, 1 homozygote.
Comment: A homozygous (NM_015215.4): c.218G>T (p.Arg73Leu) missense variant was detected in exon 3 of the CAMTA1 gene. This variant has not been previously reported in any population databases (PM2). This missense variant is located in the CG1 DNA-binding domain of the CAMTA1 protein (UniProt ID: Q9FY74) and results in the substitution of arginine, a positively charged amino acid required for DNA binding, with leucine, a neutral (nonpolar) amino acid. This region is known to be highly conserved evolutionarily and plays a critical role in the transcriptional activity of the CAMTA1 protein. In silico analyses (AlphaMissense, PrimateAI) predict this variant has a damaging effect at the protein level (PP3). Pathogenic variants in the CAMTA1 gene are known to be associated with the autosomal dominantly inherited "Cerebellar dysfunction with variable cognitive and behavioral abnormalities (#614756)" syndrome. However, in some cases, different mutations in the same gene are known to cause disease in monoallelic or biallelic forms. Therefore, it is thought that the clinical findings considered to be associated with the homozygous variant detected in the patient may have presented through a different, previously unreported inheritance model. Data obtained via the RAREBOOST project (Horizon 2020 ERA Chairs at Izmir Biomedicine and Genome Center - IBG)